The following is an entry in ClinVar:

NM_139319.3(SLC17A8):c.83C>G (p.Ser28Cys)

Gene: SLC17A8 (solute carrier family 17 member 8; plus strand). Cytogenetic location: 12q23.1.
Variant type: single nucleotide variant.
Coding change: c.83C>G on transcript NM_139319.3 (MANE Select); coding-DNA position 83, C replaced by G.
Protein change: p.Ser28Cys; replaces serine 28 with cysteine.
Molecular consequence: missense variant.
Genome position (GRCh38, 1-based): chr12:100,357,474, C>G. VCF-style: chr12-100357474-C-G. GRCh37 (hg19) VCF-style: chr12-100751252-C-G.
Other names: c.83C>G, p.Ser28Cys (NM_001145288.2); short protein forms S28C.
Identifiers: ClinVar variation 4527729 (VCV004527729.1).

ClinVar aggregate classification (germline): Uncertain significance (1 of 4 stars; one submission).

Submission:

GeneDx
Classification: Uncertain significance. Last evaluated: 2025-04-30. Review status: criteria provided, single submitter. Criteria: GeneDx Variant Classification Process June 2021. Collection method: clinical testing. Allele origin: germline. Affected: yes.
Comment: Not observed at significant frequency in large population cohorts (gnomAD); In silico analysis indicates that this missense variant does not alter protein structure/function; Has not been previously published as pathogenic or benign to our knowledge